The following is an entry in ClinVar:

NM_001243133.2(NLRP3):c.1709A>T (p.Tyr570Phe)

Gene: NLRP3 (NLR family pyrin domain containing 3; plus strand). Cytogenetic location: 1q44.
Variant type: single nucleotide variant.
Coding change: c.1709A>T on transcript NM_001243133.2 (MANE Select); coding-DNA position 1709, A replaced by T.
Protein change: p.Tyr570Phe; replaces tyrosine 570 with phenylalanine.
Molecular consequence: missense variant.
Genome position (GRCh38, 1-based): chr1:247,425,158, A>T. VCF-style: chr1-247425158-A-T. GRCh37 (hg19) VCF-style: chr1-247588460-A-T.
Other names: c.1709A>T, p.Tyr570Phe (NM_001079821.3, NM_001127461.3, NM_001127462.3 and 1 more transcripts); c.1715A>T, p.Tyr572Phe (NM_004895.5); short protein forms Y572F, Y570F.
Identifiers: ClinVar variation 97947 (VCV000097947.1), dbSNP rs180177438, ClinGen allele CA281266.

ClinVar aggregate classification (germline): not provided (0 of 4 stars; one submission).

Conditions:
Familial cold autoinflammatory syndrome 1 (FCAS1). Also called: CRYOPYRIN-ASSOCIATED PERIODIC SYNDROME 1; Familial cold inflammatory syndrome 1. Identifiers: Orphanet 47045, MedGen C4551895, MONDO:0007349, OMIM 120100.

Submission:

Unité médicale des maladies autoinflammatoires, CHRU Montpellier
No classification provided. Condition: Familial cold urticaria. Review status: no classification provided. Collection method: not provided. Allele origin: unknown.
Comment: also involved in OMIM 191900 and 607115